The following is an entry in ClinVar:

NM_172245.4(CSF2RA):c.502T>A (p.Tyr168Asn)

Gene: CSF2RA (colony stimulating factor 2 receptor subunit alpha; plus strand). Cytogenetic location: Xp22.33.
Variant type: single nucleotide variant.
Coding change: c.502T>A on transcript NM_172245.4 (MANE Select); coding-DNA position 502, T replaced by A.
Protein change: p.Tyr168Asn; replaces tyrosine 168 with asparagine.
Molecular consequence: missense variant. On other transcripts: non-coding transcript variant (1).
Genome position (GRCh38, 1-based): chrX:1,290,365, T>A. VCF-style: chrX-1290365-T-A. GRCh37 (hg19) VCF-style: chrX-1409258-T-A.
Other names: c.502T>A, p.Tyr168Asn (NM_001161529.2, NM_001161530.2, NM_001161531.2 and 20 more transcripts); c.103T>A, p.Tyr35Asn (NM_001161532.2); short protein forms Y35N, Y168N.
Identifiers: ClinVar variation 1490419 (VCV001490419.7), dbSNP rs769648353, ClinGen allele CA10330854.

ClinVar aggregate classification (germline): Uncertain significance. Review status: criteria provided, multiple submitters, no conflicts (2 of 4 stars). 2 submissions from 2 submitters: Uncertain significance (2). Last evaluated 2023-10-14.

Conditions:
Surfactant metabolism dysfunction, pulmonary, 4 (SMDP4). Also called: PAP DUE TO CSF2RA DEFICIENCY; PULMONARY ALVEOLAR PROTEINOSIS, CONGENITAL, 4; CSF2RA DEFICIENCY. Identifiers: Orphanet 264675, MedGen C2677877, MONDO:0010424, OMIM 300770.

Allele frequency attached by ClinVar (database versions not stated): gnomAD 0.00001; TOPMed 0.00002; gnomAD exomes 0.00004 and 0.00008; ExAC 0.00008.
gnomAD v4.1: 66 of 1,613,644 alleles (0.0041%); highest among the groups gnomAD compares: East Asian, 0.13%; no homozygotes.

Submissions (2):

Labcorp Genetics (formerly Invitae), Labcorp
Classification: Uncertain significance for Surfactant metabolism dysfunction, pulmonary, 4. Last evaluated: 2023-10-14. Review status: criteria provided, single submitter. Criteria: Invitae Variant Classification Sherloc (09022015). Collection method: clinical testing. Allele origin: germline.
Comment: This sequence change replaces tyrosine, which is neutral and polar, with asparagine, which is neutral and polar, at codon 168 of the CSF2RA protein (p.Tyr168Asn). This variant is present in population databases (no rsID available, gnomAD 0.1%). This variant has not been reported in the literature in individuals affected with CSF2RA-related conditions. ClinVar contains an entry for this variant (Variation ID: 1490419). Advanced modeling of protein sequence and biophysical properties (such as structural, functional, and spatial information, amino acid conservation, physicochemical variation, residue mobility, and thermodynamic stability) performed at Invitae indicates that this missense variant is expected to disrupt CSF2RA protein function. In summary, the available evidence is currently insufficient to determine the role of this variant in disease. Therefore, it has been classified as a Variant of Uncertain Significance.

Department of Pathology and Laboratory Medicine, Sinai Health System
Classification: Uncertain significance for surfactant metabolism dysfunction, pulmonary, 4. Last evaluated: 2021-07-30. Review status: criteria provided, single submitter. Criteria: ACMG Guidelines, 2015. Collection method: research. Allele origin: germline.